The following is an entry in ClinVar:

ClinVar aggregate classification (germline): Likely pathogenic (1 of 4 stars; one submission).

Submission:

GeneDx
Classification: Likely pathogenic. Last evaluated: 2018-11-23. Review status: criteria provided, single submitter. Criteria: GeneDx Variant Classification (06012015). Collection method: clinical testing. Allele origin: germline. Affected: yes.
Comment: The c.638_639delAG likely pathogenic variant in the CABP2 gene has not been previously reported to our knowledge. The variant alters a splice acceptor site and causes a frameshift starting with codon Glutamic Acid 213, changes this amino acid to a Valine residue, replaces the last 8 amino acids and leads to protein extension. Therefore, this variant is predicted to cause loss of normal protein function. Most known pathogenic variants in CABP2 also alter gene splicing, as reported in the Human Gene Mutation Database (Stenson et al., 2014). Moreover, the c.638_639delAG variant is not observed in large population cohorts (Lek et al., 2016). Based on the available evidence, we consider the c.638_639delAG variant to be likely pathogenic.

NM_016366.2(CABP2):c.638_639delAG

Gene: CABP2 (calcium binding protein 2; minus strand). Cytogenetic location: 11q13.2.
Variant type: Microsatellite.
Coding change: c.638_639delAG on transcript NM_016366.2; coding-DNA positions 638 to 639, 2 bases deleted (AG).
Genome position (GRCh38, 1-based): chr11:67,519,163-67,519,164, CT deleted on the plus strand (AG on the coding strand, the reverse complement: CABP2 is on the minus strand); deleting any 2 consecutive bases within chr11:67,519,163-67,519,166 gives the same sequence; the c. name uses the placement nearest the transcript's 3' end. VCF-style (leftmost placement, unchanged base first): chr11-67519162-ACT-A. GRCh37 (hg19) VCF-style: chr11-67286633-ACT-A.
Identifiers: ClinVar variation 817309 (VCV000817309.3), dbSNP rs1591077467, ClinGen allele CA915948211.